The following is an entry in ClinVar:

ClinVar aggregate classification (germline): Uncertain significance. Review status: criteria provided, multiple submitters, no conflicts (2 of 4 stars). 2 submissions from 2 submitters: Uncertain significance (2). Last evaluated 2026-04-11.

Conditions:
Hereditary cancer-predisposing syndrome. Also called: Tumor predisposition; Hereditary Cancer Syndrome; Neoplastic Syndromes, Hereditary; Hereditary neoplastic syndrome. Identifiers: Orphanet 140162, MedGen C0027672, MeSH D009386, MONDO:0015356.

Allele frequency attached by ClinVar (database versions not stated): gnomAD exomes below 0.00001; TOPMed below 0.00001.
gnomAD v4.1: 1 of 1,613,122 alleles (0.000062%); highest among the groups gnomAD compares: African/African-American, 0.0013%; no homozygotes.

Submissions (2):

Ambry Genetics
Classification: Uncertain significance for Hereditary cancer-predisposing syndrome. Last evaluated: 2026-04-11. Review status: criteria provided, single submitter. Criteria: Ambry Variant Classification Scheme 2023. Collection method: clinical testing. Allele origin: germline.
Comment: The p.T556A variant (also known as c.1666A>G), located in coding exon 12 of the MSH3 gene, results from an A to G substitution at nucleotide position 1666. The threonine at codon 556 is replaced by alanine, an amino acid with similar properties. This amino acid position is conserved. In addition, this alteration is predicted to be tolerated by in silico analysis. Based on the available evidence, the clinical significance of this variant remains unclear.

Labcorp Genetics (formerly Invitae), Labcorp
Classification: Uncertain significance. Last evaluated: 2025-09-28. Review status: criteria provided, single submitter. Criteria: Invitae Variant Classification Sherloc (09022015). Collection method: clinical testing. Allele origin: germline.
Comment: This sequence change replaces threonine, which is neutral and polar, with alanine, which is neutral and non-polar, at codon 556 of the MSH3 protein (p.Thr556Ala). This variant is not present in population databases (gnomAD no frequency). This variant has not been reported in the literature in individuals affected with MSH3-related conditions. ClinVar contains an entry for this variant (Variation ID: 656006). An algorithm developed to predict the effect of missense changes on protein structure and function (PolyPhen-2) suggests that this variant is likely to be tolerated. In summary, the available evidence is currently insufficient to determine the role of this variant in disease. Therefore, it has been classified as a Variant of Uncertain Significance.

NM_002439.5(MSH3):c.1666A>G (p.Thr556Ala)

Gene: MSH3 (mutS homolog 3; plus strand). Cytogenetic location: 5q14.1.
Variant type: single nucleotide variant.
Coding change: c.1666A>G on transcript NM_002439.5 (MANE Select); coding-DNA position 1666, A replaced by G.
Protein change: p.Thr556Ala; replaces threonine 556 with alanine.
Molecular consequence: missense variant.
Genome position (GRCh38, 1-based): chr5:80,744,518, A>G. VCF-style: chr5-80744518-A-G. GRCh37 (hg19) VCF-style: chr5-80040337-A-G.
Other names: c.1666A>G (NM_002439.3); short protein forms T556A.
Identifiers: ClinVar variation 656006 (VCV000656006.9), dbSNP rs1289149146, ClinGen allele CA360274645.